The following is an entry in ClinVar:

ClinVar aggregate classification (germline): Likely pathogenic (1 of 4 stars; one submission).

Submission:

CeGaT Center for Human Genetics Tuebingen
Classification: Likely pathogenic. Last evaluated: 2024-02-01. Review status: criteria provided, single submitter. Criteria: CeGaT Center For Human Genetics Tuebingen Variant Classification Criteria Version 2. Collection method: clinical testing. Allele origin: germline. Affected: yes. Observed: 1 variant allele.
Comment: DSC2: PVS1:Strong, PM2

NM_024422.6(DSC2):c.834_835dup (p.Arg279fs)

Gene: DSC2 (desmocollin 2; minus strand). Cytogenetic location: 18q12.1.
Variant type: Microsatellite.
Coding change: c.834_835dup on transcript NM_024422.6 (MANE Select); coding-DNA positions 834 to 835, 2 bases duplicated (AC; older notation c.834_835dupAC).
Protein change: p.Arg279fs; shifts the reading frame from arginine 279.
Molecular consequence: frameshift variant.
Genome position (GRCh38, 1-based): chr18:31,086,683-31,086,684, GT duplicated on the plus strand (AC on the coding strand, the reverse complement: DSC2 is on the minus strand); duplicating any 2 consecutive bases within chr18:31,086,683-31,086,689 gives the same sequence; the c. name uses the placement nearest the transcript's 3' end. VCF-style (leftmost placement, unchanged base first): chr18-31086682-C-CGT. GRCh37 (hg19) VCF-style: chr18-28666645-C-CGT.
Other names: c.405_406dup, p.Arg136fs (NM_001406506.1, NM_001406507.1); c.834_835dup, p.Arg279fs (NM_004949.5); short protein forms R136fs, R279fs.
Identifiers: ClinVar variation 3027249 (VCV003027249.22), dbSNP rs2510951321, ClinGen allele CA2641388087.
Genomic context (GRCh38, chr18:31,086,682, plus strand): 5'-GGATGCATAGAAAATAGGGTGGGTGATGGTGGCACCTGCCCAATGATGGAGTACTTCAGG[C>CGT]GTGTGTGCATCGTGTCAGGCTCATCTTTGTCAGTAGCACACACTTGTCCCACAGTAGTGC-3'